The following is an entry in ClinVar:

ClinVar aggregate classification (germline): Uncertain significance (1 of 4 stars; one submission).

Conditions:
Leber congenital amaurosis 13 (LCA13). Identifiers: MedGen C2675186, MONDO:0012990, OMIM 612712.

Submission:

Labcorp Genetics (formerly Invitae), Labcorp
Classification: Uncertain significance for Leber congenital amaurosis 13. Last evaluated: 2022-12-07. Review status: criteria provided, single submitter. Criteria: Invitae Variant Classification Sherloc (09022015). Collection method: clinical testing. Allele origin: germline.
Comment: This variant has not been reported in the literature in individuals affected with RDH12-related conditions. In summary, the available evidence is currently insufficient to determine the role of this variant in disease. Therefore, it has been classified as a Variant of Uncertain Significance. Advanced modeling of protein sequence and biophysical properties (such as structural, functional, and spatial information, amino acid conservation, physicochemical variation, residue mobility, and thermodynamic stability) performed at Invitae indicates that this missense variant is not expected to disrupt RDH12 protein function. This variant is present in population databases (rs775717423, gnomAD 0.01%). This sequence change replaces alanine, which is neutral and non-polar, with glycine, which is neutral and non-polar, at codon 107 of the RDH12 protein (p.Ala107Gly).

NM_152443.3(RDH12):c.320C>G (p.Ala107Gly)

Genes: RDH12 (retinol dehydrogenase 12; plus strand), GPHN (gephyrin; plus strand). Cytogenetic location: 14q24.1.
Variant type: single nucleotide variant.
Coding change: c.320C>G on transcript NM_152443.3 (MANE Select); coding-DNA position 320, C replaced by G.
Protein change: p.Ala107Gly; replaces alanine 107 with glycine.
Molecular consequence: missense variant.
Genome position (GRCh38, 1-based): chr14:67,725,231, C>G. VCF-style: chr14-67725231-C-G. GRCh37 (hg19) VCF-style: chr14-68191948-C-G.
Other names: short protein forms A107G.
Identifiers: ClinVar variation 2891495 (VCV002891495.3), dbSNP rs775717423, ClinGen allele CA7238668.